The following is an entry in ClinVar:

ClinVar aggregate classification (germline): Uncertain significance (1 of 4 stars; one submission).

Conditions:
Mowat-Wilson syndrome (MOWS). Also called: Classic Mowat-Wilson Syndrome. Identifiers: Orphanet 2152, MedGen C1856113, MONDO:0009341, OMIM 235730.

Allele frequency attached by ClinVar (database versions not stated): gnomAD exomes below 0.00001; ExAC 0.00001; gnomAD 0.00001; TOPMed 0.00001; ESP Exome Variant Server 0.00008.
gnomAD v4.1: 9 of 1,614,028 alleles (0.00056%); highest among the groups gnomAD compares: South Asian, 0.0011%; no homozygotes.

Submission:

Labcorp Genetics (formerly Invitae), Labcorp
Classification: Uncertain significance for Mowat-Wilson syndrome. Last evaluated: 2022-11-03. Review status: criteria provided, single submitter. Criteria: Invitae Variant Classification Sherloc (09022015). Collection method: clinical testing. Allele origin: germline.
Comment: In summary, the available evidence is currently insufficient to determine the role of this variant in disease. Therefore, it has been classified as a Variant of Uncertain Significance. Algorithms developed to predict the effect of missense changes on protein structure and function (SIFT, PolyPhen-2, Align-GVGD) all suggest that this variant is likely to be tolerated. This variant has not been reported in the literature in individuals affected with ZEB2-related conditions. This variant is present in population databases (rs370504406, gnomAD 0.0009%). This sequence change replaces arginine, which is basic and polar, with histidine, which is basic and polar, at codon 560 of the ZEB2 protein (p.Arg560His).

NM_014795.4(ZEB2):c.1679G>A (p.Arg560His)

Gene: ZEB2 (zinc finger E-box binding homeobox 2; minus strand). Cytogenetic location: 2q22.3.
Variant type: single nucleotide variant.
Coding change: c.1679G>A on transcript NM_014795.4 (MANE Select); coding-DNA position 1679, G replaced by A.
Protein change: p.Arg560His; replaces arginine 560 with histidine.
Molecular consequence: missense variant.
Genome position (GRCh38, 1-based): chr2:144,399,508, C>T on the plus strand (G>A on the coding strand, the complement: ZEB2 is on the minus strand). VCF-style: chr2-144399508-C-T. GRCh37 (hg19) VCF-style: chr2-145157075-C-T.
Other names: c.1607G>A, p.Arg536His (NM_001171653.2); short protein forms R560H, R536H.
Identifiers: ClinVar variation 1903464 (VCV001903464.5), dbSNP rs370504406, ClinGen allele CA1898316.